The following is an entry in ClinVar:

ClinVar aggregate classification (germline): Uncertain significance (1 of 4 stars; one submission).

Submission:

Quest Diagnostics Nichols Institute San Juan Capistrano
Classification: Uncertain significance. Last evaluated: 2025-02-28. Review status: criteria provided, single submitter. Criteria: Quest Diagnostics criteria. Collection method: clinical testing. Allele origin: unknown.
Comment: The THRB c.797T>G (p.Leu266Trp) variant has not been reported in individuals with THRB-related conditions in the published literature. It also has not been reported in large, multi-ethnic general populations (Genome Aggregation Database). Analysis of this variant using bioinformatics tools for the prediction of the effect of amino acid changes on protein structure and function yielded predictions that this variant is damaging. Based on the available information, we are unable to determine the clinical significance of this variant.

NM_001354712.2(THRB):c.797T>G (p.Leu266Trp)

Gene: THRB (thyroid hormone receptor beta; minus strand). Cytogenetic location: 3p24.2.
Variant type: single nucleotide variant.
Coding change: c.797T>G on transcript NM_001354712.2 (MANE Select); coding-DNA position 797, T replaced by G.
Protein change: p.Leu266Trp; replaces leucine 266 with tryptophan.
Molecular consequence: missense variant.
Genome position (GRCh38, 1-based): chr3:24,133,404, A>C on the plus strand (T>G on the coding strand, the complement: THRB is on the minus strand). VCF-style: chr3-24133404-A-C. GRCh37 (hg19) VCF-style: chr3-24174895-A-C.
Other names: c.797T>G, p.Leu266Trp (NM_000461.5, NM_001128176.3, NM_001128177.2 and 12 more transcripts); c.704T>G, p.Leu235Trp (NM_001354714.2, NM_001354715.2); short protein forms L235W, L266W.
Identifiers: ClinVar variation 4532949 (VCV004532949.1).